The following is an entry in ClinVar:

ClinVar aggregate classification (germline): Uncertain significance (1 of 4 stars; one submission).

Conditions:
SEMA5A-related disorder. Also called: SEMA5A-related condition.

gnomAD v4.1: 1 of 1,612,260 alleles (0.000062%); highest among the groups gnomAD compares: Non-Finnish European, 0.000085%; no homozygotes.

Submission:

PreventionGenetics, part of Exact Sciences
Classification: Uncertain significance for SEMA5A-related condition. Last evaluated: 2026-08-19. Review status: criteria provided, single submitter. Criteria: ACMG Guidelines, 2015. Collection method: clinical testing. Allele origin: germline.
Comment: The SEMA5A c.14G>A variant is predicted to result in the amino acid substitution p.Cys5Tyr. To our knowledge, this variant has not been reported in the literature or in a large population database (gnomAD), indicating this variant is rare. At this time, the clinical significance of this variant is uncertain due to the absence of conclusive functional and genetic evidence.

NM_003966.3(SEMA5A):c.14G>A (p.Cys5Tyr)

Gene: SEMA5A (semaphorin 5A; minus strand). Cytogenetic location: 5p15.31.
Variant type: single nucleotide variant.
Coding change: c.14G>A on transcript NM_003966.3 (MANE Select); coding-DNA position 14, G replaced by A.
Protein change: p.Cys5Tyr; replaces cysteine 5 with tyrosine.
Molecular consequence: missense variant.
Genome position (GRCh38, 1-based): chr5:9,379,933, C>T on the plus strand (G>A on the coding strand, the complement: SEMA5A is on the minus strand). VCF-style: chr5-9379933-C-T. GRCh37 (hg19) VCF-style: chr5-9380045-C-T.
Other names: short protein forms C5Y.
Identifiers: ClinVar variation 4994004 (VCV004994004.1).